The following is an entry in ClinVar:

NM_138694.4(PKHD1):c.10856del (p.Lys3619fs)

Gene: PKHD1 (PKHD1 ciliary IPT domain containing fibrocystin/polyductin; minus strand). Cytogenetic location: 6p12.3.
Variant type: Deletion.
Coding change: c.10856del on transcript NM_138694.4 (MANE Select); coding-DNA position 10856, one base deleted (A; older notation c.10856delA).
Protein change: p.Lys3619fs; shifts the reading frame from lysine 3619.
Molecular consequence: frameshift variant.
Genome position (GRCh38, 1-based): chr6:51,659,270, T deleted on the plus strand (A on the coding strand, the reverse complement: PKHD1 is on the minus strand); the first of 3 consecutive T bases (chr6:51,659,270-51,659,272); deleting any one gives the same sequence. VCF-style (leftmost placement, unchanged base first): chr6-51659269-CT-C. GRCh37 (hg19) VCF-style: chr6-51524067-CT-C.
Other names: c.10856delA (NM_138694.4); short protein forms K3619fs.
Identifiers: ClinVar variation 552098 (VCV000552098.18), dbSNP rs1554183235, ClinGen allele CA658821697.

ClinVar aggregate classification (germline): Pathogenic/Likely pathogenic. Review status: criteria provided, multiple submitters, no conflicts (2 of 4 stars). 6 submissions from 6 submitters: Pathogenic (4); Likely pathogenic (1). 1 of the submissions does not count toward it. Last evaluated 2025-09-12.

Conditions:
Autosomal recessive polycystic kidney disease (ARPKD). Also called: AR polycystic kidney disease. Identifiers: Orphanet 731, Orphanet 8378, MedGen C0085548, MeSH D017044, MONDO:0009889.
Polycystic kidney disease 4 (PKD4). Also called: POLYCYSTIC KIDNEY DISEASE 4 WITH OR WITHOUT POLYCYSTIC LIVER DISEASE; POLYCYSTIC KIDNEY AND HEPATIC DISEASE 1; POLYCYSTIC KIDNEY DISEASE, INFANTILE, TYPE I; PKD3; Autosomal Recessive Polycystic Kidney Disease – PKHD1. Identifiers: MedGen C4540575, MONDO:0033004, OMIM 263200.

Submissions (6):

Natera, Inc.
Classification: Pathogenic for Autosomal recessive polycystic kidney disease. Last evaluated: 2025-09-12. Review status: criteria provided, single submitter. Criteria: Natera Variant Classification Schema (03/2026). Collection method: clinical testing. Allele origin: germline.
Comment: The c.10856delA variant in PKHD1 is a frameshift variant predicted to shift the reading frame beginning at codon 3619 and leads to a stop codon 7 codons downstream. This variant is expected to result in nonsense mediated decay, truncation, or a dysfunctional protein product. This variant is rare in the general population with a frequency below the threshold expected for the associated phenotype(s). This variant has been observed in one or more individuals affected with the associated recessive disease, as either homozygous or compound heterozygous with a second variant (PMID: 19021639). Given the available evidence, this variant is classified as Pathogenic.

Fulgent Genetics
Classification: Likely pathogenic for Polycystic kidney disease 4. Last evaluated: 2024-02-07. Review status: criteria provided, single submitter. Criteria: ACMG Guidelines, 2015. Collection method: clinical testing. Allele origin: germline.

Women's Health and Genetics/Laboratory Corporation of America, LabCorp
Classification: Pathogenic for Autosomal recessive polycystic kidney disease. Last evaluated: 2024-01-04. Review status: criteria provided, single submitter. Criteria: LabCorp Variant Classification Summary - May 2015. Collection method: clinical testing. Allele origin: germline.
Comment: Variant summary: PKHD1 c.10856delA (p.Lys3619SerfsX7) results in a premature termination codon, predicted to cause a truncation of the encoded protein or absence of the protein due to nonsense mediated decay, which are commonly known mechanisms for disease. The variant was absent in 250964 control chromosomes (gnomAD). c.10856delA has been reported in the literature in individuals affected with Polycystic Kidney And Hepatic Disease (example: Rossetti_2003). The following publication has been ascertained in the context of this evaluation (PMID: 12846734). Four submitters have cited clinical-significance assessments for this variant to ClinVar after 2014. All submitters classified the variant as pathogenic. Based on the evidence outlined above, the variant was classified as pathogenic.

Baylor Genetics
Classification: Pathogenic for Polycystic kidney disease 4. Last evaluated: 2023-07-31. Review status: criteria provided, single submitter. Criteria: ACMG Guidelines, 2015. Collection method: clinical testing. Allele origin: unknown.

Labcorp Genetics (formerly Invitae), Labcorp
Classification: Pathogenic for Autosomal recessive polycystic kidney disease. Last evaluated: 2021-10-14. Review status: criteria provided, single submitter. Criteria: Invitae Variant Classification Sherloc (09022015). Collection method: clinical testing. Allele origin: germline.
Comment: ClinVar contains an entry for this variant (Variation ID: 552098). For these reasons, this variant has been classified as Pathogenic. This premature translational stop signal has been observed in individual(s) with polycystic kidney disease (PMID: 12846734, 19021639). This variant is not present in population databases (ExAC no frequency). This sequence change creates a premature translational stop signal (p.Lys3619Serfs*7) in the PKHD1 gene. It is expected to result in an absent or disrupted protein product. Loss-of-function variants in PKHD1 are known to be pathogenic (PMID: 19940839).

Counsyl
Classification: Pathogenic for Polycystic kidney disease 4. Last evaluated: 2017-07-20. Review status: no assertion criteria provided. Collection method: clinical testing. Allele origin: unknown. Not counted in ClinVar's aggregate classification.

Literature cited by the submitters: PubMed 19021639 (cited by Natera, Inc. and Labcorp Genetics (formerly Invitae), Labcorp); PubMed 12846734 (cited by Women's Health and Genetics/Laboratory Corporation of America, LabCorp and Labcorp Genetics (formerly Invitae), Labcorp); PubMed 19940839 (cited by Labcorp Genetics (formerly Invitae), Labcorp and Counsyl); PubMed 24162162 (cited by Counsyl).